The following is an entry in ClinVar:

NM_001386795.1(DTNA):c.1562G>A (p.Arg521Gln)

Gene: DTNA (dystrobrevin alpha; plus strand). Cytogenetic location: 18q12.1.
Variant type: single nucleotide variant.
Coding change: c.1562G>A on transcript NM_001386795.1 (MANE Select); coding-DNA position 1562, G replaced by A.
Protein change: p.Arg521Gln; replaces arginine 521 with glutamine.
Molecular consequence: missense variant.
Genome position (GRCh38, 1-based): chr18:34,858,314, G>A. VCF-style: chr18-34858314-G-A. GRCh37 (hg19) VCF-style: chr18-32438278-G-A.
Other names: c.1301G>A, p.Arg434Gln (NM_001198938.2, NM_001198939.2, NM_001198940.2 and 9 more transcripts); c.608G>A, p.Arg203Gln (NM_001198942.1); c.551G>A, p.Arg184Gln (NM_001198943.1); c.437G>A, p.Arg146Gln (NM_001198944.1); c.731G>A, p.Arg244Gln (NM_001198945.2); c.1391G>A, p.Arg464Gln (NM_001386754.1, NM_001386755.1, NM_001386770.1 and 4 more transcripts); c.1298G>A, p.Arg433Gln (NM_001386768.1, NM_001386769.1, NM_001386773.1 and 1 more transcripts); c.1562G>A, p.Arg521Gln (NM_001386788.1); and 8 more; short protein forms R142Q, R184Q, R203Q, R437Q, R494Q, R244Q, R491Q, R116Q.
Identifiers: ClinVar variation 704504 (VCV000704504.12), dbSNP rs530066221, ClinGen allele CA8935758.

ClinVar aggregate classification (germline): Conflicting classifications of pathogenicity. Review status: criteria provided, conflicting classifications (1 of 4 stars). 3 submissions from 3 submitters: Uncertain significance (1); Likely benign (2). Last evaluated 2025-08-06.

Conditions:
Left ventricular noncompaction 1 (LVNC1). Also called: LEFT VENTRICULAR NONCOMPACTION 1 WITH OR WITHOUT CONGENITAL HEART DEFECTS. Identifiers: Orphanet 54260, MedGen C1858725, MONDO:0011403, OMIM 604169.
DTNA-related disorder. Also called: DTNA-related condition.

Allele frequency attached by ClinVar (database versions not stated): TOPMed 0.00004; gnomAD exomes 0.00011 and 0.00002; ExAC 0.00014; 1000 Genomes Project 30x 0.00016; 1000 Genomes Project 0.00020; gnomAD 0.00001.
gnomAD v4.1: 33 of 1,614,040 alleles (0.002%); highest among the groups gnomAD compares: Admixed American, 0.033%; no homozygotes.

Submissions (3):

Labcorp Genetics (formerly Invitae), Labcorp
Classification: Likely benign for Left ventricular noncompaction 1. Last evaluated: 2025-08-06. Review status: criteria provided, single submitter. Criteria: Invitae Variant Classification Sherloc (09022015). Collection method: clinical testing. Allele origin: germline.

Ambry Genetics
Classification: Uncertain significance. Last evaluated: 2025-06-03. Review status: criteria provided, single submitter. Criteria: Ambry Variant Classification Scheme 2023. Collection method: clinical testing. Allele origin: germline.

PreventionGenetics, part of Exact Sciences
Classification: Likely benign for DTNA-related condition. Last evaluated: 2025-04-03. Review status: criteria provided, single submitter. Criteria: ACMG Guidelines, 2015. Collection method: clinical testing. Allele origin: germline.
Comment: This variant is classified as likely benign based on ACMG/AMP sequence variant interpretation guidelines (Richards et al. 2015 PMID: 25741868, with internal and published modifications).